The following is an entry in ClinVar:

ClinVar aggregate classification (germline): Uncertain significance. Review status: criteria provided, multiple submitters, no conflicts (2 of 4 stars). 3 submissions from 3 submitters: Uncertain significance (3). Last evaluated 2025-08-24.

Conditions:
Primary dilated cardiomyopathy (DCM). Also called: Dilated Cardiomyopathy. Identifiers: Orphanet 217604, MedGen C0007193, MeSH D002311, MONDO:0005021, HP:0001644. Inheritance: Various modes of inheritance.

Allele frequency attached by ClinVar (database versions not stated): gnomAD exomes 0.00003 and 0.00005; gnomAD 0.00002; TOPMed 0.00005; ExAC 0.00008.
gnomAD v4.1: 48 of 1,600,468 alleles (0.003%); highest among the groups gnomAD compares: Middle Eastern, 0.05%; no homozygotes.

Submissions (3):

Ambry Genetics
Classification: Uncertain significance. Last evaluated: 2025-08-24. Review status: criteria provided, single submitter. Criteria: Ambry Variant Classification Scheme 2023. Collection method: clinical testing. Allele origin: germline.

Labcorp Genetics (formerly Invitae), Labcorp
Classification: Uncertain significance for Primary dilated cardiomyopathy. Last evaluated: 2023-10-30. Review status: criteria provided, single submitter. Criteria: Invitae Variant Classification Sherloc (09022015). Collection method: clinical testing. Allele origin: germline.
Comment: This sequence change replaces phenylalanine, which is neutral and non-polar, with leucine, which is neutral and non-polar, at codon 6 of the NEBL protein (p.Phe6Leu). This variant is present in population databases (rs777445403, gnomAD 0.02%). This variant has not been reported in the literature in individuals affected with NEBL-related conditions. ClinVar contains an entry for this variant (Variation ID: 449292). Algorithms developed to predict the effect of missense changes on protein structure and function output the following: SIFT: "Not Available"; PolyPhen-2: "Benign"; Align-GVGD: "Not Available". The leucine amino acid residue is found in multiple mammalian species, which suggests that this missense change does not adversely affect protein function. In summary, the available evidence is currently insufficient to determine the role of this variant in disease. Therefore, it has been classified as a Variant of Uncertain Significance.

GeneDx
Classification: Uncertain significance. Last evaluated: 2015-11-10. Review status: criteria provided, single submitter. Criteria: GeneDx Variant Classification (06012015). Collection method: clinical testing. Allele origin: germline. Affected: yes.
Comment: A variant of uncertain significance has been identified in the NEBL gene. The F6L variant has not been published as a pathogenic variant, nor has it been reported as a benign variant to our knowledge. The F6L variant was not observed in approximately 6,500 individuals of European and African American ancestry in the NHLBI Exome Sequencing Project, indicating it is not a common benign variant in these populations. However, the F6L variant is a conservative amino acid substitution, which is not likely to impact secondary protein structure as these residues share similar properties. This substitution occurs at a position that is not conserved across species. In silico analysis predicts this variant likely does not alter the protein structure/function. Finally, no missense variants in nearby residues have been reported in the Human Gene Mutation Database in association with cardiomyopathy (Stenson et al., 2014), indicating that this region of the gene is not known to harbor pathogenic variants.Therefore, based on the currently available information, it is unclear whether this variant is pathogenic or rare benign.

NM_006393.3(NEBL):c.16T>C (p.Phe6Leu)

Gene: NEBL (nebulette; minus strand). Cytogenetic location: 10p12.31.
Variant type: single nucleotide variant.
Coding change: c.16T>C on transcript NM_006393.3 (MANE Select); coding-DNA position 16, T replaced by C.
Protein change: p.Phe6Leu; replaces phenylalanine 6 with leucine.
Molecular consequence: missense variant. On other transcripts: intron variant (9).
Genome position (GRCh38, 1-based): chr10:20,897,190, A>G on the plus strand (T>C on the coding strand, the complement: NEBL is on the minus strand). VCF-style: chr10-20897190-A-G. GRCh37 (hg19) VCF-style: chr10-21186119-A-G.
Other names: c.249+64482T>C (NM_001377326.1, NM_001377327.1, NM_001377328.1); c.357+64482T>C (NM_213569.2, NM_001173484.2, NM_001377322.1); c.300+64482T>C (NM_001377324.1); c.291+64482T>C (NM_001377325.1); c.309+64482T>C (NM_001377323.1); short protein forms F6L.
Identifiers: ClinVar variation 449292 (VCV000449292.13), dbSNP rs777445403, ClinGen allele CA5433417.